The following is an entry in ClinVar:

NM_015001.3(SPEN):c.24C>T (p.Leu8=)

Genes: SPEN (spen family transcriptional repressor; plus strand), SPEN-AS1 (SPEN antisense RNA 1; minus strand). Cytogenetic location: 1p36.21.
Variant type: single nucleotide variant.
Coding change: c.24C>T on transcript NM_015001.3 (MANE Select); coding-DNA position 24, C replaced by T.
Protein change: p.Leu8=; no amino-acid change (leucine 8 retained).
Molecular consequence: synonymous variant.
Genome position (GRCh38, 1-based): chr1:15,848,091, C>T. VCF-style: chr1-15848091-C-T. GRCh37 (hg19) VCF-style: chr1-16174586-C-T.
Identifiers: ClinVar variation 2638297 (VCV002638297.24), dbSNP rs1383831323, ClinGen allele CA416217998.

ClinVar aggregate classification (germline): Likely benign (1 of 4 stars; one submission).

Submission:

CeGaT Center for Human Genetics Tuebingen
Classification: Likely benign. Last evaluated: 2022-09-01. Review status: criteria provided, single submitter. Criteria: CeGaT Center For Human Genetics Tuebingen Variant Classification Criteria Version 2. Collection method: clinical testing. Allele origin: germline. Affected: yes. Observed: 1 variant allele.
Comment: SPEN: PM2:Supporting, BP4, BP7